The following is an entry in ClinVar:

NM_020533.3(MCOLN1):c.610C>T (p.Pro204Ser)

Gene: MCOLN1 (mucolipin TRP cation channel 1; plus strand). Cytogenetic location: 19p13.2.
Variant type: single nucleotide variant.
Coding change: c.610C>T on transcript NM_020533.3 (MANE Select); coding-DNA position 610, C replaced by T.
Protein change: p.Pro204Ser; replaces proline 204 with serine.
Molecular consequence: missense variant.
Genome position (GRCh38, 1-based): chr19:7,527,558, C>T. VCF-style: chr19-7527558-C-T. GRCh37 (hg19) VCF-style: chr19-7592444-C-T.
Other names: short protein forms P204S.
Identifiers: ClinVar variation 330492 (VCV000330492.10), dbSNP rs886054694, ClinGen allele CA10652873.

ClinVar aggregate classification (germline): Conflicting classifications of pathogenicity. Review status: criteria provided, conflicting classifications (1 of 4 stars). 5 submissions from 5 submitters: Uncertain significance (4); Likely benign (1). Last evaluated 2025-08-05.

Conditions:
MCOLN1-related disorder. Also called: MCOLN1-related condition.
Inborn genetic diseases. Identifiers: MedGen C0950123, MeSH D030342.
Mucolipidosis type IV (ML4). Also called: ML IV. Identifiers: Orphanet 578, MedGen C0238286, MONDO:0009653, OMIM 252650.

Allele frequency attached by ClinVar (database versions not stated): gnomAD exomes 0.00001 and 0.00006; gnomAD 0.00004; TOPMed 0.00005.
gnomAD v4.1: 88 of 1,609,008 alleles (0.0055%); highest among the groups gnomAD compares: Non-Finnish European, 0.0072%; no homozygotes.

Submissions (5):

Ambry Genetics
Classification: Likely benign for Inborn genetic diseases. Last evaluated: 2025-08-05. Review status: criteria provided, single submitter. Criteria: Ambry Variant Classification Scheme 2023. Collection method: clinical testing. Allele origin: germline.

PreventionGenetics, part of Exact Sciences
Classification: Uncertain significance for MCOLN1-related condition. Last evaluated: 2025-04-18. Review status: criteria provided, single submitter. Criteria: ACMG Guidelines, 2015. Collection method: clinical testing. Allele origin: germline.
Comment: The MCOLN1 c.610C>T variant is predicted to result in the amino acid substitution p.Pro204Ser. To our knowledge, this variant has not been reported in the literature. This variant is reported in 0.0026% of alleles in individuals of European (non-Finnish) descent in gnomAD. At this time, the clinical significance of this variant is uncertain due to the absence of conclusive functional and genetic evidence.

Labcorp Genetics (formerly Invitae), Labcorp
Classification: Uncertain significance for Mucolipidosis type IV. Last evaluated: 2021-08-27. Review status: criteria provided, single submitter. Criteria: Invitae Variant Classification Sherloc (09022015). Collection method: clinical testing. Allele origin: germline.
Comment: This sequence change replaces proline with serine at codon 204 of the MCOLN1 protein (p.Pro204Ser). The proline residue is weakly conserved and there is a moderate physicochemical difference between proline and serine. This variant is not present in population databases (ExAC no frequency). This variant has not been reported in the literature in individuals affected with MCOLN1-related conditions. ClinVar contains an entry for this variant (Variation ID: 330492). Algorithms developed to predict the effect of missense changes on protein structure and function output the following: SIFT: "Tolerated"; PolyPhen-2: "Benign"; Align-GVGD: "Class C0". The serine amino acid residue is found in multiple mammalian species, which suggests that this missense change does not adversely affect protein function. In summary, the available evidence is currently insufficient to determine the role of this variant in disease. Therefore, it has been classified as a Variant of Uncertain Significance.

Laboratorio de Genetica e Diagnostico Molecular, Hospital Israelita Albert Einstein
Classification: Uncertain significance. Last evaluated: 2021-01-29. Review status: criteria provided, single submitter. Criteria: ACMG Guidelines, 2015. Collection method: clinical testing. Allele origin: germline. Affected: yes.
Comment: ACMG classification criteria: PM2, BP4

Illumina Laboratory Services, Illumina
Classification: Uncertain significance for Mucolipidosis type IV. Last evaluated: 2018-01-12. Review status: criteria provided, single submitter. Criteria: ICSL Variant Classification Criteria 13 December 2019. Collection method: clinical testing. Allele origin: germline.